The following is an entry in ClinVar:

ClinVar aggregate classification (germline): Uncertain significance (1 of 4 stars; one submission).

Submission:

GeneDx
Classification: Uncertain significance. Last evaluated: 2024-03-05. Review status: criteria provided, single submitter. Criteria: GeneDx Variant Classification Process June 2021. Collection method: clinical testing. Allele origin: germline. Affected: yes.
Comment: Not observed at significant frequency in large population cohorts (gnomAD); In silico analysis supports that this missense variant has a deleterious effect on protein structure/function; Has not been previously published as pathogenic or benign to our knowledge

NM_004456.5(EZH2):c.1985T>C (p.Val662Ala)

Gene: EZH2 (enhancer of zeste 2 polycomb repressive complex 2 subunit; minus strand). Cytogenetic location: 7q36.1.
Variant type: single nucleotide variant.
Coding change: c.1985T>C on transcript NM_004456.5 (MANE Select); coding-DNA position 1985, T replaced by C.
Protein change: p.Val662Ala; replaces valine 662 with alanine.
Molecular consequence: missense variant.
Genome position (GRCh38, 1-based): chr7:148,810,377, A>G on the plus strand (T>C on the coding strand, the complement: EZH2 is on the minus strand). VCF-style: chr7-148810377-A-G. GRCh37 (hg19) VCF-style: chr7-148507469-A-G.
Other names: c.1970T>C, p.Val657Ala (NM_001203247.2); c.1943T>C, p.Val648Ala (NM_001203248.2); c.1817T>C, p.Val606Ala (NM_001203249.2); c.1853T>C, p.Val618Ala (NM_152998.3); short protein forms V606A, V618A, V648A, V657A, V662A.
Identifiers: ClinVar variation 3373649 (VCV003373649.1).